The following is an entry in ClinVar:

NM_006204.4(PDE6C):c.20T>C (p.Val7Ala)

Gene: PDE6C (phosphodiesterase 6C; plus strand). Cytogenetic location: 10q23.33.
Variant type: single nucleotide variant.
Coding change: c.20T>C on transcript NM_006204.4 (MANE Select); coding-DNA position 20, T replaced by C.
Protein change: p.Val7Ala; replaces valine 7 with alanine.
Molecular consequence: missense variant.
Genome position (GRCh38, 1-based): chr10:93,612,745, T>C. VCF-style: chr10-93612745-T-C. GRCh37 (hg19) VCF-style: chr10-95372502-T-C.
Other names: c.20T>C (NM_006204.3); short protein forms V7A.
Identifiers: ClinVar variation 2080671 (VCV002080671.7), dbSNP rs141312777, ClinGen allele CA5609750.
Genomic context (GRCh38, chr10:93,612,745, plus strand): 5'-GGTCGTCCTTTCTGAACAAACGCAGCAAAGCAAGCCACACCATGGGTGAGATCAACCAAG[T>C]TGCCGTGGAGAAATACCTGGAGGAGAACCCTCAGTTTGCCAAGGAGTACTTTGACAGGAA-3'
Protein context (NP_006195.3, residues 1-17): MGEINQ[Val7Ala]AVEKYLEENP

ClinVar aggregate classification (germline): Uncertain significance. Review status: criteria provided, multiple submitters, no conflicts (2 of 4 stars). 3 submissions from 3 submitters: Uncertain significance (3). Last evaluated 2023-02-16.

Conditions:
Inborn genetic diseases. Identifiers: MedGen C0950123, MeSH D030342.

Allele frequency attached by ClinVar (database versions not stated): TOPMed 0.00002; gnomAD 0.00003; gnomAD exomes 0.00003; ExAC 0.00004; ESP Exome Variant Server 0.00008.
gnomAD v4.1: 47 of 1,613,886 alleles (0.0029%); highest among the groups gnomAD compares: East Asian, 0.013%; no homozygotes.

Submissions (3):

Ambry Genetics
Classification: Uncertain significance for Inborn genetic diseases. Last evaluated: 2023-02-16. Review status: criteria provided, single submitter. Criteria: Ambry Variant Classification Scheme 2023. Collection method: clinical testing. Allele origin: germline.

Labcorp Genetics (formerly Invitae), Labcorp
Classification: Uncertain significance. Last evaluated: 2022-02-01. Review status: criteria provided, single submitter. Criteria: Invitae Variant Classification Sherloc (09022015). Collection method: clinical testing. Allele origin: germline.
Comment: This sequence change replaces valine, which is neutral and non-polar, with alanine, which is neutral and non-polar, at codon 7 of the PDE6C protein (p.Val7Ala). This variant is present in population databases (rs141312777, gnomAD 0.01%). This variant has not been reported in the literature in individuals affected with PDE6C-related conditions. Algorithms developed to predict the effect of missense changes on protein structure and function (SIFT, PolyPhen-2, Align-GVGD) all suggest that this variant is likely to be tolerated. In summary, the available evidence is currently insufficient to determine the role of this variant in disease. Therefore, it has been classified as a Variant of Uncertain Significance.

Blueprint Genetics
Classification: Uncertain significance. Last evaluated: 2021-06-29. Review status: criteria provided, single submitter. Criteria: ACMG Guidelines, 2015. Collection method: clinical testing. Allele origin: germline.